The following is an entry in ClinVar:

NM_024675.4(PALB2):c.2720A>G (p.Glu907Gly)

Gene: PALB2 (partner and localizer of BRCA2; minus strand). Cytogenetic location: 16p12.2.
Variant type: single nucleotide variant.
Coding change: c.2720A>G on transcript NM_024675.4 (MANE Select); coding-DNA position 2720, A replaced by G.
Protein change: p.Glu907Gly; replaces glutamic acid 907 with glycine.
Molecular consequence: missense variant.
Genome position (GRCh38, 1-based): chr16:23,626,264, T>C on the plus strand (A>G on the coding strand, the complement: PALB2 is on the minus strand). VCF-style: chr16-23626264-T-C. GRCh37 (hg19) VCF-style: chr16-23637585-T-C.
Other names: short protein forms E907G.
Identifiers: ClinVar variation 410156 (VCV000410156.27), dbSNP rs45504298, ClinGen allele CA7963505.

ClinVar aggregate classification (germline): Uncertain significance. Review status: criteria provided, multiple submitters, no conflicts (2 of 4 stars). 8 submissions from 8 submitters: Uncertain significance (7). 1 of the submissions does not count toward it. Last evaluated 2025-11-22.

Conditions:
Hereditary cancer-predisposing syndrome. Also called: Hereditary neoplastic syndrome; Neoplastic Syndromes, Hereditary; Hereditary Cancer Syndrome; Tumor predisposition. Identifiers: Orphanet 140162, MedGen C0027672, MeSH D009386, MONDO:0015356.
Familial cancer of breast. Also called: BREAST CANCER, FAMILIAL; hereditary breast carcinoma; Hereditary breast cancer. Identifiers: Orphanet 227535, MedGen C0346153, MONDO:0016419, OMIM 114480. Disease mechanism: loss of function.
Pancreatic cancer, susceptibility to, 3. Identifiers: Orphanet 1333, MedGen C3150547, MONDO:0013236, OMIM 613348.

Allele frequency attached by ClinVar (database versions not stated): ExAC 0.00001; gnomAD 0.00001; gnomAD exomes 0.00001; TOPMed 0.00002.
gnomAD v4.1: 15 of 1,614,070 alleles (0.00093%); highest among the groups gnomAD compares: Middle Eastern, 0.033%; no homozygotes.

Submissions (8):

Labcorp Genetics (formerly Invitae), Labcorp
Classification: Uncertain significance for Familial cancer of breast. Last evaluated: 2025-11-22. Review status: criteria provided, single submitter. Criteria: Invitae Variant Classification Sherloc (09022015). Collection method: clinical testing. Allele origin: germline.
Comment: This sequence change replaces glutamic acid, which is acidic and polar, with glycine, which is neutral and non-polar, at codon 907 of the PALB2 protein (p.Glu907Gly). This variant is present in population databases (rs45504298, gnomAD 0.003%). This missense change has been observed in individual(s) with breast cancer (PMID: 26489409, 29335925, 35264596). ClinVar contains an entry for this variant (Variation ID: 410156). Invitae Evidence Modeling of protein sequence and biophysical properties (such as structural, functional, and spatial information, amino acid conservation, physicochemical variation, residue mobility, and thermodynamic stability) indicates that this missense variant is not expected to disrupt PALB2 protein function with a negative predictive value of 80%. In summary, the available evidence is currently insufficient to determine the role of this variant in disease. Therefore, it has been classified as a Variant of Uncertain Significance.

Ambry Genetics
Classification: Uncertain significance for Hereditary cancer-predisposing syndrome. Last evaluated: 2025-04-09. Review status: criteria provided, single submitter. Criteria: Ambry Variant Classification Scheme 2023. Collection method: clinical testing. Allele origin: germline.
Comment: The p.E907G variant (also known as c.2720A>G), located in coding exon 7 of the PALB2 gene, results from an A to G substitution at nucleotide position 2720. The glutamic acid at codon 907 is replaced by glycine, an amino acid with similar properties. This variant was reported in individual(s) with features consistent with PALB2-related cancer predisposition (Rahman N et al. Nat Genet, 2007 Feb;39:165-7; Li YT et al. Eur J Med Res, 2015 Oct;20:85; Lerner-Ellis J et al. J Cancer Res Clin Oncol, 2021 Mar;147:871-879; Guindalini RSC et al. Sci Rep, 2022 Mar;12:4190). This amino acid position is not well conserved in available vertebrate species. In addition, this alteration is predicted to be tolerated by in silico analysis. Based on the available evidence, the clinical significance of this variant remains unclear.

Quest Diagnostics Nichols Institute San Juan Capistrano
Classification: Uncertain significance. Last evaluated: 2025-03-03. Review status: criteria provided, single submitter. Criteria: Quest Diagnostics criteria. Collection method: clinical testing. Allele origin: unknown.
Comment: The PALB2 c.2720A>G (p.Glu907Gly) variant has been reported in the published literature in individuals with breast cancer (PMID: 35264596 (2022), 29335925 (2018), 26489409 (2015), 17200668 (2007)), pancreatic cancer (PMID: 32885271 (2021)), and prostate cancer (PMID: 32268276 (2020)). This variant has also been observed in reportedly healthy individuals (PMID: 35884425 (2022), 33471991 (2021), see also LOVD). The frequency of this variant in the general population (Genome Aggregation Database) is uninformative in the assessment of its pathogenicity. Analysis of this variant using bioinformatics tools for the prediction of the effect of amino acid changes on protein structure and function yielded conflicting predictions that this variant is benign or damaging. Based on the available information, we are unable to determine the clinical significance of this variant.

GeneDx
Classification: Uncertain significance. Last evaluated: 2024-08-06. Review status: criteria provided, single submitter. Criteria: GeneDx Variant Classification Process June 2021. Collection method: clinical testing. Allele origin: germline. Affected: yes.
Comment: In silico analysis supports that this missense variant has a deleterious effect on protein structure/function; Not observed at significant frequency in large population cohorts (gnomAD); This variant is associated with the following publications: (PMID: 26489409, 29335925, 24485656, 19609323, 20871615, 35264596, 33471991, 32885271, 17200668)

Color Diagnostics, LLC DBA Color Health
Classification: Uncertain significance for Hereditary cancer-predisposing syndrome. Last evaluated: 2024-05-07. Review status: criteria provided, single submitter. Criteria: ACMG Guidelines, 2015. Collection method: clinical testing. Allele origin: germline.
Comment: This missense variant replaces glutamic acid with glycine at codon 907 of the PALB2 protein. Computational prediction suggests that this variant may not impact protein structure and function. To our knowledge, functional studies have not been reported for this variant. This variant has been reported in three individuals affected with breast cancer (PMID: 26489409, 29335925, 35264596). This variant is also detected in a breast cancer case-control meta-analysis in 0/60466 cases and 1/53461 unaffected individuals (PMID: 33471991; Leiden Open Variation Database DB-ID PALB2_010848). This variant has been identified in 3/251486 chromosomes in the general population by the Genome Aggregation Database (gnomAD). The available evidence is insufficient to determine the role of this variant in disease conclusively. Therefore, this variant is classified as a Variant of Uncertain Significance.

Blueprint Genetics
Classification: Uncertain significance. Last evaluated: 2024-03-21. Review status: criteria provided, single submitter. Criteria: ACMG Guidelines, 2015. Collection method: clinical testing. Allele origin: germline.

Mendelics
Classification: Uncertain significance for Familial cancer of breast. Last evaluated: 2019-05-28. Review status: criteria provided, single submitter. Criteria: Mendelics Assertion Criteria 2017. Collection method: clinical testing. Allele origin: unknown.

Department of Pathology and Laboratory Medicine, Sinai Health System
Classification: Uncertain significance for Pancreatic cancer, susceptibility to, 3. Review status: no assertion criteria provided. Collection method: clinical testing. Allele origin: unknown. Affected: yes. Study: The Canadian Open Genetics Repository (COGR). Not counted in ClinVar's aggregate classification.
Comment: The PALB2 p.Glu907Gly variant was identified in 2 of 2150 proband chromosomes (frequency: 0.0009) from individuals with breast cancer and was not identified in 2368 control chromosomes from healthy individuals (Li 2015, Rahman 2007). The variant was identified in dbSNP (rs45504298) as â€šÃ„Ãºwith uncertain significance alleleâ€šÃ„Ã¹ and ClinVar (classified as uncertain significance by Invitae, Ambry Genetics, GeneDx, and 1 other submitter). The variant was not identified in LOVD 3.0. The variant was identified in control databases in 3 of 246,272 chromosomes at a frequency of 0.00001 (Genome Aggregation Database Feb 27, 2017). The variant was observed in the following populations: Latino in 1 of 33,582 chromosomes (freq: 0.00003) and European in 2 of 111,720 chromosomes (freq: 0.00002), but not in the African, Other, Ashkenazi Jewish, East Asian, Finnish, or South Asian populations. The p.Glu907 residue is conserved in mammals and computational analyses (PolyPhen-2, SIFT, AlignGVGD, BLOSUM, MutationTaster) provide inconsistent predictions regarding the impact to the protein; this information is not very predictive of pathogenicity. The variant occurs outside of the splicing consensus sequence and in silico or computational prediction software programs (SpliceSiteFinder, MaxEntScan, NNSPLICE, GeneSplicer) do not predict a difference in splicing. In summary, based on the above information, the clinical significance of this variant cannot be determined with certainty at this time. This variant is classified as a variant of uncertain significance.

Literature cited by the submitters: PubMed 26489409 (cited by 4 submitters); PubMed 29335925 (cited by 3 submitters); PubMed 35264596 (cited by 4 submitters); PubMed 17200668 (cited by Ambry Genetics and Quest Diagnostics Nichols Institute San Juan Capistrano); PubMed 32885271 (cited by Ambry Genetics and Quest Diagnostics Nichols Institute San Juan Capistrano); PubMed 35884425 (cited by Quest Diagnostics Nichols Institute San Juan Capistrano); PubMed 32268276 (cited by Quest Diagnostics Nichols Institute San Juan Capistrano); PubMed 33471991 (cited by Color Diagnostics, LLC DBA Color Health).